The following is an entry in ClinVar:

ClinVar aggregate classification (germline): Uncertain significance. Review status: criteria provided, multiple submitters, no conflicts (2 of 4 stars). 4 submissions from 4 submitters: Uncertain significance (4). Last evaluated 2024-11-12.

Conditions:
Cardiovascular phenotype. Identifiers: MedGen CN230736.
Ehlers-Danlos syndrome, classic type, 1 (EDSCL1). Also called: Ehlers-Danlos Syndrome, Classic Type, COL5A1-Related; EHLERS-DANLOS SYNDROME, GRAVIS TYPE; EHLERS-DANLOS SYNDROME, SEVERE CLASSIC TYPE; Ehlers-Danlos syndrome, type 1; EDS I. Identifiers: MedGen C0268335, MONDO:0019567, OMIM 130000.
Osteogenesis imperfecta type I (OI1). Also called: Classic Non-deforming Osteogenesis Imperfecta with Blue Sclerae; Osteogenesis imperfecta type 1; OSTEOGENESIS IMPERFECTA WITH BLUE SCLERAE; Lobstein disease; Lobstein's Disease; OI, TYPE I. Identifiers: Orphanet 216796, Orphanet 666, MedGen C0023931, MONDO:0008146, OMIM 166200. Disease mechanism: loss of function.

Allele frequency attached by ClinVar (database versions not stated): gnomAD 0.00001; TOPMed 0.00002; gnomAD exomes 0.00001 and 0.00004; ExAC 0.00004.
gnomAD v4.1: 19 of 1,613,902 alleles (0.0012%); highest among the groups gnomAD compares: East Asian, 0.04%; no homozygotes.

Submissions (4):

Women's Health and Genetics/Laboratory Corporation of America, LabCorp
Classification: Uncertain significance. Last evaluated: 2024-11-12. Review status: criteria provided, single submitter. Criteria: LabCorp Variant Classification Summary - May 2015. Collection method: clinical testing. Allele origin: germline.
Comment: Variant summary: COL1A2 c.1076A>G (p.Asn359Ser) results in a conservative amino acid change in the encoded protein sequence. Five of five in-silico tools predict a benign effect of the variant on protein function. The variant allele was found at a frequency of 1.2e-05 in 1461662 control chromosomes, predominantly at a frequency of 0.0004 within the East Asian subpopulation in the gnomAD database. c.1076A>G has been reported in the literature in an individual affected with Osteogenesis Imperfecta (e.g., Bae_2016). These data do not allow any conclusion about variant significance. To our knowledge, no experimental evidence demonstrating an impact on protein function has been reported. The following publications has been ascertained in the context of this evaluation (PMID: 26402641). ClinVar contains an entry for this variant (Variation ID: 195453). Based on the evidence outlined above, the variant was classified as uncertain significance.

Labcorp Genetics (formerly Invitae), Labcorp
Classification: Uncertain significance for Osteogenesis imperfecta type I; Ehlers-Danlos syndrome, classic type, 1. Last evaluated: 2021-09-04. Review status: criteria provided, single submitter. Criteria: Invitae Variant Classification Sherloc (09022015). Collection method: clinical testing. Allele origin: germline.
Comment: This variant disrupts the p.Asn359 amino acid residue in COL1A2. Other variant(s) that disrupt this residue have been observed in individuals with COL1A2-related conditions (PMID: 29947050), which suggests that this may be a clinically significant amino acid residue. In summary, the available evidence is currently insufficient to determine the role of this variant in disease. Therefore, it has been classified as a Variant of Uncertain Significance. Advanced modeling of protein sequence and biophysical properties (such as structural, functional, and spatial information, amino acid conservation, physicochemical variation, residue mobility, and thermodynamic stability) performed at Invitae indicates that this missense variant is not expected to disrupt COL1A2 protein function. ClinVar contains an entry for this variant (Variation ID: 195453). This missense change has been observed in individual(s) with osteogenesis imperfecta (PMID: 26402641). This variant is present in population databases (rs755584404, ExAC 0.06%). This sequence change replaces asparagine with serine at codon 359 of the COL1A2 protein (p.Asn359Ser). The asparagine residue is moderately conserved and there is a small physicochemical difference between asparagine and serine.

Ambry Genetics
Classification: Uncertain significance for Cardiovascular phenotype. Last evaluated: 2021-04-26. Review status: criteria provided, single submitter. Criteria: Ambry Variant Classification Scheme 2023. Collection method: clinical testing. Allele origin: germline.
Comment: The p.N359S variant (also known as c.1076A>G), located in coding exon 20 of the COL1A2 gene, results from an A to G substitution at nucleotide position 1076. The asparagine at codon 359 is replaced by serine, an amino acid with highly similar properties. This alteration has been reported in a skeletal dysplasia cohort (Bae JS et al. Genet Med, 2016 06;18:563-9). This amino acid position is not well conserved in available vertebrate species, and serine is the reference amino acid in other vertebrate species. In addition, this alteration is predicted to be tolerated by in silico analysis. Since supporting evidence is limited at this time, the clinical significance of this alteration remains unclear.

Eurofins Ntd Llc (ga)
Classification: Uncertain significance. Last evaluated: 2014-10-20. Review status: criteria provided, single submitter. Criteria: EGL Classification Definitions 2015. Collection method: clinical testing. Allele origin: germline. Observed: 1 variant allele, 1 heterozygote.

Literature cited by the submitters: PubMed 26402641 (cited by 3 submitters); PubMed 29947050 (cited by Labcorp Genetics (formerly Invitae), Labcorp).

NM_000089.4(COL1A2):c.1076A>G (p.Asn359Ser)

Gene: COL1A2 (collagen type I alpha 2 chain; plus strand). Cytogenetic location: 7q21.3.
Variant type: single nucleotide variant.
Coding change: c.1076A>G on transcript NM_000089.4 (MANE Select); coding-DNA position 1076, A replaced by G.
Protein change: p.Asn359Ser; replaces asparagine 359 with serine.
Molecular consequence: missense variant.
Genome position (GRCh38, 1-based): chr7:94,410,282, A>G. VCF-style: chr7-94410282-A-G. GRCh37 (hg19) VCF-style: chr7-94039594-A-G.
Other names: short protein forms N359S.
Identifiers: ClinVar variation 195453 (VCV000195453.14), dbSNP rs755584404, ClinGen allele CA241883.